The following is an entry in ClinVar:

ClinVar aggregate classification (germline): Conflicting classifications of pathogenicity. Review status: criteria provided, conflicting classifications (1 of 4 stars). 8 submissions from 8 submitters: Uncertain significance (7); Likely benign (1). Last evaluated 2026-01-20.

Conditions:
Inborn genetic diseases. Identifiers: MedGen C0950123, MeSH D030342.
Epidermolysis bullosa simplex, Ogna type (EBS5A). Also called: Pidermolysis bullosa simplex 5A, Ogna type; EPIDERMOLYSIS BULLOSA SIMPLEX 5A, OGNA TYPE. Identifiers: Orphanet 79401, MedGen C0432317, MONDO:0007555, OMIM 131950.
Epidermolysis bullosa simplex 5C, with pyloric atresia (EBS5C). Also called: PLEC-Related Epidermolysis Bullosa with Pyloric Atresia; Epidermolysis bullosa simplex with pyloric atresia; PLEC1-Related Epidermolysis Bullosa with Pyloric Atresia. Identifiers: Orphanet 158684, MedGen C2677349, MONDO:0012807, OMIM 612138.
Autosomal recessive limb-girdle muscular dystrophy type 2Q (LGMDR17). Also called: MUSCULAR DYSTROPHY, LIMB-GIRDLE, AUTOSOMAL RECESSIVE 17. Identifiers: Orphanet 254361, MedGen C3150989, MONDO:0013390, OMIM 613723.
Epidermolysis bullosa simplex with nail dystrophy (EBS5D). Identifiers: MedGen C4225309, MONDO:0014661, OMIM 616487.
Epidermolysis bullosa simplex 5B, with muscular dystrophy (EBS5B). Also called: EPIDERMOLYSIS BULLOSA SIMPLEX AND LIMB-GIRDLE MUSCULAR DYSTROPHY; Epidermolysis bullosa simplex with muscular dystrophy. Identifiers: Orphanet 257, MedGen C2931072, MONDO:0009181, OMIM 226670.
Autosomal recessive limb-girdle muscular dystrophy. Identifiers: Orphanet 102015, MedGen C2931907, MONDO:0015152.

Allele frequency attached by ClinVar (database versions not stated): gnomAD exomes 0.00032 and 0.00051; gnomAD 0.00037 and 0.00038; TOPMed 0.00039; ExAC 0.00068.
gnomAD v4.1: 815 of 1,601,344 alleles (0.051%); highest among the groups gnomAD compares: Non-Finnish European, 0.061%; no homozygotes.

Submissions (8):

Labcorp Genetics (formerly Invitae), Labcorp
Classification: Uncertain significance for Autosomal recessive limb-girdle muscular dystrophy type 2Q; Epidermolysis bullosa simplex, Ogna type; Epidermolysis bullosa simplex with nail dystrophy; Epidermolysis bullosa simplex 5C, with pyloric atresia; Epidermolysis bullosa simplex 5B, with muscular dystrophy. Last evaluated: 2026-01-20. Review status: criteria provided, single submitter. Criteria: Invitae Variant Classification Sherloc (09022015). Collection method: clinical testing. Allele origin: germline.
Comment: This sequence change replaces glutamic acid, which is acidic and polar, with lysine, which is basic and polar, at codon 3804 of the PLEC protein (p.Glu3804Lys). This variant is present in population databases (rs538589589, gnomAD 0.06%). This variant has not been reported in the literature in individuals affected with PLEC-related conditions. ClinVar contains an entry for this variant (Variation ID: 196829). An algorithm developed to predict the effect of missense changes on protein structure and function (PolyPhen-2) suggests that this variant is likely to be disruptive. In summary, the available evidence is currently insufficient to determine the role of this variant in disease. Therefore, it has been classified as a Variant of Uncertain Significance.

Revvity Omics, Revvity
Classification: Uncertain significance. Last evaluated: 2025-07-25. Review status: criteria provided, single submitter. Criteria: ACMG Guidelines, 2015. Collection method: clinical testing. Allele origin: germline.

Athena Diagnostics
Classification: Uncertain significance. Last evaluated: 2025-04-29. Review status: criteria provided, single submitter. Criteria: Athena Diagnostics Criteria. Collection method: clinical testing. Allele origin: unknown.
Comment: Available data are insufficient to determine the clinical significance of the variant at this time. The frequency of this variant in the general population is higher than would generally be expected for pathogenic variants in this gene. Polyphen and MutationTaster predict this amino acid change may be benign.

Ambry Genetics
Classification: Uncertain significance for Inborn genetic diseases. Last evaluated: 2022-06-03. Review status: criteria provided, single submitter. Criteria: Ambry Variant Classification Scheme 2023. Collection method: clinical testing. Allele origin: germline.

CeGaT Center for Human Genetics Tuebingen
Classification: Uncertain significance. Last evaluated: 2021-08-01. Review status: criteria provided, single submitter. Criteria: CeGaT Center For Human Genetics Tuebingen Variant Classification Criteria Version 2. Collection method: clinical testing. Allele origin: germline. Affected: yes. Observed: 2 variant alleles.

Department of Pathology and Laboratory Medicine, Sinai Health System
Classification: Uncertain significance for autosomal recessive limb-girdle muscular dystrophy. Last evaluated: 2021-05-19. Review status: criteria provided, single submitter. Criteria: ACMG Guidelines, 2015. Collection method: research. Allele origin: germline.

GeneDx
Classification: Likely benign. Last evaluated: 2018-04-06. Review status: criteria provided, single submitter. Criteria: GeneDx Variant Classification (06012015). Collection method: clinical testing. Allele origin: germline. Affected: yes.
Comment: This variant is considered likely benign or benign based on one or more of the following criteria: it is a conservative change, it occurs at a poorly conserved position in the protein, it is predicted to be benign by multiple in silico algorithms, and/or has population frequency not consistent with disease.

Eurofins Ntd Llc (ga)
Classification: Uncertain significance. Last evaluated: 2015-07-28. Review status: criteria provided, single submitter. Criteria: EGL Classification Definitions 2015. Collection method: clinical testing. Allele origin: germline. Observed: 3 variant alleles, 3 heterozygotes.

NM_201384.3(PLEC):c.11329G>A (p.Glu3777Lys)

Gene: PLEC (plectin; minus strand). Cytogenetic location: 8q24.3.
Variant type: single nucleotide variant.
Coding change: c.11329G>A on transcript NM_201384.3 (MANE Select); coding-DNA position 11329, G replaced by A.
Protein change: p.Glu3777Lys; replaces glutamic acid 3777 with lysine.
Molecular consequence: missense variant.
Genome position (GRCh38, 1-based): chr8:143,918,492, C>T on the plus strand (G>A on the coding strand, the complement: PLEC is on the minus strand). VCF-style: chr8-143918492-C-T. GRCh37 (hg19) VCF-style: chr8-144992660-C-T.
Other names: c.11410G>A, p.Glu3804Lys (NM_000445.5); c.11287G>A, p.Glu3763Lys (NM_201378.4); c.11263G>A, p.Glu3755Lys (NM_201379.3); c.11740G>A, p.Glu3914Lys (NM_201380.4); c.11233G>A, p.Glu3745Lys (NM_201381.3); c.11329G>A, p.Glu3777Lys (NM_201382.4); c.11341G>A, p.Glu3781Lys (NM_201383.3); short protein forms E3745K, E3755K, E3763K, E3777K, E3781K, E3804K, E3914K.
Identifiers: ClinVar variation 196829 (VCV000196829.61), dbSNP rs538589589, ClinGen allele CA244361.